The following is an entry in ClinVar:

ClinVar aggregate classification (germline): Uncertain significance. Review status: criteria provided, multiple submitters, no conflicts (2 of 4 stars). 2 submissions from 2 submitters: Uncertain significance (2). Last evaluated 2024-10-02.

Conditions:
Inborn genetic diseases. Identifiers: MedGen C0950123, MeSH D030342.

Allele frequency attached by ClinVar (database versions not stated): gnomAD exomes 0.00001; TOPMed 0.00005; gnomAD 0.00006.

Submissions (2):

Labcorp Genetics (formerly Invitae), Labcorp
Classification: Uncertain significance. Last evaluated: 2024-10-02. Review status: criteria provided, single submitter. Criteria: Invitae Variant Classification Sherloc (09022015). Collection method: clinical testing. Allele origin: germline.
Comment: This sequence change replaces glycine, which is neutral and non-polar, with alanine, which is neutral and non-polar, at codon 151 of the RAD51 protein (p.Gly151Ala). This variant is present in population databases (no rsID available, gnomAD 0.01%). This variant has not been reported in the literature in individuals affected with RAD51-related conditions. ClinVar contains an entry for this variant (Variation ID: 1741270). An algorithm developed to predict the effect of missense changes on protein structure and function (PolyPhen-2) suggests that this variant is likely to be disruptive. In summary, the available evidence is currently insufficient to determine the role of this variant in disease. Therefore, it has been classified as a Variant of Uncertain Significance.

Ambry Genetics
Classification: Uncertain significance for Inborn genetic diseases. Last evaluated: 2024-02-05. Review status: criteria provided, single submitter. Criteria: Ambry Variant Classification Scheme 2023. Collection method: clinical testing. Allele origin: germline.
Comment: The p.G151A variant (also known as c.452G>C), located in coding exon 5 of the RAD51 gene, results from a G to C substitution at nucleotide position 452. The glycine at codon 151 is replaced by alanine, an amino acid with similar properties. This amino acid position is conserved. In addition, the in silico prediction for this alteration is inconclusive. Since supporting evidence is limited at this time, the clinical significance of this alteration remains unclear.

NM_002875.5(RAD51):c.452G>C (p.Gly151Ala)

Gene: RAD51 (RAD51 recombinase; plus strand). Cytogenetic location: 15q15.1.
Variant type: single nucleotide variant.
Coding change: c.452G>C on transcript NM_002875.5 (MANE Select); coding-DNA position 452, G replaced by C.
Protein change: p.Gly151Ala; replaces glycine 151 with alanine.
Molecular consequence: missense variant.
Genome position (GRCh38, 1-based): chr15:40,718,821, G>C. VCF-style: chr15-40718821-G-C. GRCh37 (hg19) VCF-style: chr15-41011019-G-C.
Other names: c.455G>C, p.Gly152Ala (NM_001164269.2, NM_133487.4); c.452G>C, p.Gly151Ala (NM_001164270.2); short protein forms G152A, G151A.
Identifiers: ClinVar variation 1741270 (VCV001741270.4), dbSNP rs1015877091, ClinGen allele CA268843915.
Genomic context (GRCh38, chr15:40,718,821, plus strand): 5'-AGAAATACAATGTTCATTTCTACTGTTGTTTTTGTTCTCTATAGCTTCCCATTGACCGGG[G>C]TGGAGGTGAAGGAAAGGCCATGTACATTGACACTGAGGGTACCTTTAGGCCAGAACGGCT-3'
Protein context (NP_002866.2, residues 141-161): AVTCQLPIDR[Gly151Ala]GGEGKAMYID